The following is an entry in ClinVar:

ClinVar aggregate classification (germline): Uncertain significance. Review status: criteria provided, multiple submitters, no conflicts (2 of 4 stars). 3 submissions from 3 submitters: Uncertain significance (3). Last evaluated 2025-01-16.

Conditions:
Inborn genetic diseases. Identifiers: MedGen C0950123, MeSH D030342.

gnomAD v4.1: 2 of 1,496,960 alleles (0.00013%); highest among the groups gnomAD compares: Non-Finnish European, 0.000089%; no homozygotes.

Submissions (3):

Ambry Genetics
Classification: Uncertain significance for Inborn genetic diseases. Last evaluated: 2025-01-16. Review status: criteria provided, single submitter. Criteria: Ambry Variant Classification Scheme 2023. Collection method: clinical testing. Allele origin: germline.

Labcorp Genetics (formerly Invitae), Labcorp
Classification: Uncertain significance. Last evaluated: 2022-05-09. Review status: criteria provided, single submitter. Criteria: Invitae Variant Classification Sherloc (09022015). Collection method: clinical testing. Allele origin: germline.
Comment: This sequence change replaces alanine, which is neutral and non-polar, with glutamic acid, which is acidic and polar, at codon 188 of the HMX1 protein (p.Ala188Glu). This variant is not present in population databases (gnomAD no frequency). This variant has not been reported in the literature in individuals affected with HMX1-related conditions. Algorithms developed to predict the effect of missense changes on protein structure and function (SIFT, PolyPhen-2, Align-GVGD) all suggest that this variant is likely to be tolerated. In summary, the available evidence is currently insufficient to determine the role of this variant in disease. Therefore, it has been classified as a Variant of Uncertain Significance.

Breakthrough Genomics
Classification: Uncertain significance. Review status: criteria provided, single submitter. Criteria: ACMG Guidelines, 2015. Collection method: not provided. Allele origin: germline. Inheritance: Autosomal recessive inheritance. Affected: yes.

NM_018942.3(HMX1):c.563C>A (p.Ala188Glu)

Gene: HMX1 (H6 family homeobox 1; minus strand). Cytogenetic location: 4p16.1.
Variant type: single nucleotide variant.
Coding change: c.563C>A on transcript NM_018942.3 (MANE Select); coding-DNA position 563, C replaced by A.
Protein change: p.Ala188Glu; replaces alanine 188 with glutamic acid.
Molecular consequence: missense variant. On other transcripts: intron variant (1).
Genome position (GRCh38, 1-based): chr4:8,868,177, G>T on the plus strand (C>A on the coding strand, the complement: HMX1 is on the minus strand). VCF-style: chr4-8868177-G-T. GRCh37 (hg19) VCF-style: chr4-8869903-G-T.
Other names: c.394+3044C>A (NM_001306142.2); c.563C>A (NM_018942.2); short protein forms A188E.
Identifiers: ClinVar variation 1490122 (VCV001490122.6), dbSNP rs761151270, ClinGen allele CA356278296.